The following is an entry in ClinVar:

NM_000391.4(TPP1):c.76G>A (p.Asp26Asn)

Gene: TPP1 (tripeptidyl peptidase 1; minus strand). Cytogenetic location: 11p15.4.
Variant type: single nucleotide variant.
Coding change: c.76G>A on transcript NM_000391.4 (MANE Select); coding-DNA position 76, G replaced by A.
Protein change: p.Asp26Asn; replaces aspartic acid 26 with asparagine.
Molecular consequence: missense variant.
Genome position (GRCh38, 1-based): chr11:6,619,209, C>T on the plus strand (G>A on the coding strand, the complement: TPP1 is on the minus strand). VCF-style: chr11-6619209-C-T. GRCh37 (hg19) VCF-style: chr11-6640440-C-T.
Other names: short protein forms D26N.
Identifiers: ClinVar variation 1002369 (VCV001002369.3), dbSNP rs1324731086, ClinGen allele CA379476958.

ClinVar aggregate classification (germline): Uncertain significance. Review status: criteria provided, single submitter (1 of 4 stars). 2 submissions from 2 submitters: Uncertain significance (1). 1 of the submissions does not count toward it. Last evaluated 2022-02-08.

Conditions:
Neuronal ceroid lipofuscinosis 2. Also called: TPP1-Related Neuronal Ceroid-Lipofuscinosis; JANSKY-BIELSCHOWSKY DISEASE NEURONAL CEROID LIPOFUSCINOSIS, LATE INFANTILE. Identifiers: Orphanet 168491, Orphanet 228349, Orphanet 79264, MedGen C1876161, MONDO:0008769, OMIM 204500.

Allele frequency attached by ClinVar (database versions not stated): gnomAD exomes below 0.00001; TOPMed below 0.00001.
gnomAD v4.1: 9 of 1,614,106 alleles (0.00056%); highest among the groups gnomAD compares: South Asian, 0.0099%; no homozygotes.

Submissions (2):

Labcorp Genetics (formerly Invitae), Labcorp
Classification: Uncertain significance. Last evaluated: 2022-02-08. Review status: criteria provided, single submitter. Criteria: Invitae Variant Classification Sherloc (09022015). Collection method: clinical testing. Allele origin: germline.
Comment: This sequence change replaces aspartic acid, which is acidic and polar, with asparagine, which is neutral and polar, at codon 26 of the TPP1 protein (p.Asp26Asn). This variant is present in population databases (no rsID available, gnomAD 0.003%). This variant has not been reported in the literature in individuals affected with TPP1-related conditions. ClinVar contains an entry for this variant (Variation ID: 1002369). Advanced modeling of protein sequence and biophysical properties (such as structural, functional, and spatial information, amino acid conservation, physicochemical variation, residue mobility, and thermodynamic stability) performed at Invitae indicates that this missense variant is not expected to disrupt TPP1 protein function. In summary, the available evidence is currently insufficient to determine the role of this variant in disease. Therefore, it has been classified as a Variant of Uncertain Significance.

Natera, Inc.
Classification: Uncertain significance for Neuronal ceroid lipofuscinosis 2. Last evaluated: 2021-07-12. Review status: no assertion criteria provided. Collection method: clinical testing. Allele origin: germline. Not counted in ClinVar's aggregate classification.